The following is an entry in ClinVar:

NM_001127671.2(LIFR):c.1009C>T (p.Gln337Ter)

Gene: LIFR (LIF receptor subunit alpha; minus strand). Cytogenetic location: 5p13.1.
Variant type: single nucleotide variant.
Coding change: c.1009C>T on transcript NM_001127671.2 (MANE Select); coding-DNA position 1009, C replaced by T.
Protein change: p.Gln337Ter; replaces glutamine 337 with a stop codon.
Molecular consequence: nonsense.
Genome position (GRCh38, 1-based): chr5:38,506,615, G>A on the plus strand (C>T on the coding strand, the complement: LIFR is on the minus strand). VCF-style: chr5-38506615-G-A. GRCh37 (hg19) VCF-style: chr5-38506717-G-A.
Other names: c.1009C>T, p.Gln337Ter (NM_001364297.2, NM_001364298.2, NM_002310.6); short protein forms Q337*.
Identifiers: ClinVar variation 4815009 (VCV004815009.1).

ClinVar aggregate classification (germline): Likely pathogenic (1 of 4 stars; one submission).

Conditions:
Stuve-Wiedemann syndrome (STWS). Also called: Stüve-Wiedemann syndrome. Identifiers: Orphanet 3206, MedGen C0796176, MONDO:0031280.

Submission:

Natera, Inc.
Classification: Likely pathogenic for Stuve-Wiedemann syndrome. Last evaluated: 2024-04-15. Review status: criteria provided, single submitter. Criteria: Natera Variant Classification Schema (03/2026). Collection method: clinical testing. Allele origin: germline.
Comment: The c.1009C>T variant in LIFR is a nonsense variant predicted to introduce a stop codon at amino acid 337. This variant is expected to result in nonsense mediated decay, truncation, or a dysfunctional protein product. This variant is rare in the general population with a frequency below the threshold expected for the associated phenotype(s). Given the available evidence, this variant is classified as Likely Pathogenic.